The following is an entry in ClinVar:

NM_000422.3(KRT17):c.99C>T (p.Gly33=)

Gene: KRT17 (keratin 17; minus strand). Cytogenetic location: 17q21.2.
Variant type: single nucleotide variant.
Coding change: c.99C>T on transcript NM_000422.3 (MANE Select); coding-DNA position 99, C replaced by T.
Protein change: p.Gly33=; no amino-acid change (glycine 33 retained).
Molecular consequence: synonymous variant.
Genome position (GRCh38, 1-based): chr17:41,624,411, G>A on the plus strand (C>T on the coding strand, the complement: KRT17 is on the minus strand). VCF-style: chr17-41624411-G-A. GRCh37 (hg19) VCF-style: chr17-39780663-G-A.
Identifiers: ClinVar variation 793362 (VCV000793362.11), dbSNP rs547257458, ClinGen allele CA8563851.

ClinVar aggregate classification (germline): Benign. Review status: criteria provided, single submitter (1 of 4 stars). 2 submissions from 2 submitters: Benign (1). 1 of the submissions does not count toward it. Last evaluated 2025-03-03.

Conditions:
KRT17-related disorder. Also called: KRT17-related condition.

Allele frequency attached by ClinVar (database versions not stated): gnomAD 0.00003 and 0.00016; TOPMed 0.00016; ExAC 0.00077; 1000 Genomes Project 0.00120; 1000 Genomes Project 30x 0.00125.
gnomAD v4.1: 454 of 1,610,244 alleles (0.028%); highest among the groups gnomAD compares: South Asian, 0.38%; 4 homozygotes.

Submissions (2):

Labcorp Genetics (formerly Invitae), Labcorp
Classification: Benign. Last evaluated: 2025-03-03. Review status: criteria provided, single submitter. Criteria: Invitae Variant Classification Sherloc (09022015). Collection method: clinical testing. Allele origin: germline.

PreventionGenetics, part of Exact Sciences
Classification: Likely benign for KRT17-related condition. Last evaluated: 2020-03-03. Review status: no assertion criteria provided. Collection method: clinical testing. Allele origin: germline. Not counted in ClinVar's aggregate classification.
Comment: This variant is classified as likely benign based on ACMG/AMP sequence variant interpretation guidelines (Richards et al. 2015 PMID: 25741868, with internal and published modifications).